The following is an entry in ClinVar:

ClinVar aggregate classification (germline): Likely benign (1 of 4 stars; one submission).

gnomAD v4.1: 571 of 1,613,988 alleles (0.035%); highest among the groups gnomAD compares: Non-Finnish European, 0.047%; 1 homozygote.

Submission:

Mayo Clinic Laboratories, Mayo Clinic
Classification: Likely benign. Last evaluated: 2025-07-14. Review status: criteria provided, single submitter. Criteria: ACMG Guidelines, 2015. Collection method: clinical testing. Allele origin: germline. Observed: 1 variant allele.
Comment: BS2, BP4, BP7

NM_015268.4(DNAJC13):c.1263A>C (p.Ser421=)

Gene: DNAJC13 (DnaJ heat shock protein family (Hsp40) member C13; plus strand). Cytogenetic location: 3q22.1.
Variant type: single nucleotide variant.
Coding change: c.1263A>C on transcript NM_015268.4 (MANE Select); coding-DNA position 1263, A replaced by C.
Protein change: p.Ser421=; no amino-acid change (serine 421 retained).
Molecular consequence: synonymous variant.
Genome position (GRCh38, 1-based): chr3:132,456,746, A>C. VCF-style: chr3-132456746-A-C. GRCh37 (hg19) VCF-style: chr3-132175590-A-C.
Other names: p.Ser421=; c.1263A>C, p.Ser421= (NM_001329126.2).
Identifiers: ClinVar variation 4684718 (VCV004684718.1).